The following is an entry in ClinVar:

NM_000834.5(GRIN2B):c.4179C>T (p.Asp1393=)

Gene: GRIN2B (glutamate ionotropic receptor NMDA type subunit 2B; minus strand). Cytogenetic location: 12p13.1.
Variant type: single nucleotide variant.
Coding change: c.4179C>T on transcript NM_000834.5 (MANE Select); coding-DNA position 4179, C replaced by T.
Protein change: p.Asp1393=; no amino-acid change (aspartic acid 1393 retained).
Molecular consequence: synonymous variant.
Genome position (GRCh38, 1-based): chr12:13,563,059, G>A on the plus strand (C>T on the coding strand, the complement: GRIN2B is on the minus strand). VCF-style: chr12-13563059-G-A. GRCh37 (hg19) VCF-style: chr12-13715993-G-A.
Identifiers: ClinVar variation 377946 (VCV000377946.10), dbSNP rs199529615, ClinGen allele CA6460772.

ClinVar aggregate classification (germline): Likely benign. Review status: criteria provided, multiple submitters, no conflicts (2 of 4 stars). 3 submissions from 3 submitters: Likely benign (3). Last evaluated 2025-04-29.

Conditions:
Intellectual developmental disorder, autosomal dominant 6, with or without seizures. Also called: Intellectual disability, autosomal dominant 6; GRIN2B-related developmental delay, intellectual disability and autism spectrum disorder. Identifiers: Orphanet 589547, MedGen C3151411, MONDO:0013509, OMIM 613970.
Developmental and epileptic encephalopathy, 27 (DEE27). Also called: GRIN2B-Related Neurodevelopmental Disorder; Epileptic encephalopathy, early infantile, 27. Identifiers: Orphanet 3451, MedGen C4015316, MONDO:0014505, OMIM 616139.

Allele frequency attached by ClinVar (database versions not stated): gnomAD exomes 0.00003 and 0.00002; ExAC 0.00002; gnomAD 0.00003 and 0.00004; TOPMed 0.00003.
gnomAD v4.1: 42 of 1,614,024 alleles (0.0026%); highest among the groups gnomAD compares: African/African-American, 0.0053%; no homozygotes.

Submissions (3):

Labcorp Genetics (formerly Invitae), Labcorp
Classification: Likely benign for Developmental and epileptic encephalopathy, 27; Intellectual developmental disorder, autosomal dominant 6, with or without seizures. Last evaluated: 2025-04-29. Review status: criteria provided, single submitter. Criteria: Invitae Variant Classification Sherloc (09022015). Collection method: clinical testing. Allele origin: germline.

Blueprint Genetics
Classification: Likely benign. Last evaluated: 2020-09-02. Review status: criteria provided, single submitter. Criteria: ACMG Guidelines, 2015. Collection method: clinical testing. Allele origin: germline.

GeneDx
Classification: Likely benign. Last evaluated: 2017-12-28. Review status: criteria provided, single submitter. Criteria: GeneDx Variant Classification (06012015). Collection method: clinical testing. Allele origin: germline. Affected: yes.
Comment: This variant is considered likely benign or benign based on one or more of the following criteria: it is a conservative change, it occurs at a poorly conserved position in the protein, it is predicted to be benign by multiple in silico algorithms, and/or has population frequency not consistent with disease.